The following is an entry in ClinVar:

NM_025257.3(SLC44A4):c.1987G>A (p.Val663Met)

Gene: SLC44A4 (solute carrier family 44 member 4; minus strand). Cytogenetic location: 6p21.33.
Variant type: single nucleotide variant.
Coding change: c.1987G>A on transcript NM_025257.3 (MANE Select); coding-DNA position 1987, G replaced by A.
Protein change: p.Val663Met; replaces valine 663 with methionine.
Molecular consequence: missense variant.
Genome position (GRCh38, 1-based): chr6:31,864,676, C>T on the plus strand (G>A on the coding strand, the complement: SLC44A4 is on the minus strand). VCF-style: chr6-31864676-C-T. GRCh37 (hg19) VCF-style: chr6-31832453-C-T.
Other names: c.1861G>A, p.Val621Met (NM_001178044.2); c.1759G>A, p.Val587Met (NM_001178045.2); short protein forms V587M, V621M, V663M.
Identifiers: ClinVar variation 3613178 (VCV003613178.2).

ClinVar aggregate classification (germline): Uncertain significance (1 of 4 stars; one submission).

Submission:

Labcorp Genetics (formerly Invitae), Labcorp
Classification: Uncertain significance. Last evaluated: 2024-08-31. Review status: criteria provided, single submitter. Criteria: Invitae Variant Classification Sherloc (09022015). Collection method: clinical testing. Allele origin: germline.
Comment: This sequence change replaces valine, which is neutral and non-polar, with methionine, which is neutral and non-polar, at codon 663 of the SLC44A4 protein (p.Val663Met). This variant is not present in population databases (gnomAD no frequency). This variant has not been reported in the literature in individuals affected with SLC44A4-related conditions. Invitae Evidence Modeling of protein sequence and biophysical properties (such as structural, functional, and spatial information, amino acid conservation, physicochemical variation, residue mobility, and thermodynamic stability) indicates that this missense variant is expected to disrupt SLC44A4 protein function with a positive predictive value of 80%. In summary, the available evidence is currently insufficient to determine the role of this variant in disease. Therefore, it has been classified as a Variant of Uncertain Significance.